The following is an entry in ClinVar:

NM_001009999.3(KDM1A):c.2327G>A (p.Arg776His)

Gene: KDM1A (lysine demethylase 1A; plus strand). Cytogenetic location: 1p36.12.
Variant type: single nucleotide variant.
Coding change: c.2327G>A on transcript NM_001009999.3 (MANE Select); coding-DNA position 2327, G replaced by A.
Protein change: p.Arg776His; replaces arginine 776 with histidine.
Molecular consequence: missense variant.
Genome position (GRCh38, 1-based): chr1:23,082,248, G>A. VCF-style: chr1-23082248-G-A. GRCh37 (hg19) VCF-style: chr1-23408741-G-A.
Other names: c.2273G>A, p.Arg758His (NM_001363654.2); c.2333G>A, p.Arg778His (NM_001410762.1); c.2255G>A, p.Arg752His (NM_001410763.1, NM_015013.4); short protein forms R758H, R752H, R778H, R776H.
Identifiers: ClinVar variation 4042114 (VCV004042114.2).
Genomic context (GRCh38, chr1:23,082,248, plus strand): 5'-GTAATGACTTTTGCTCCTGGTTTTTCTTTTAGCCCAAAGAAACTGTGGTGTCTCGTTGGC[G>A]TGCTGATCCCTGGGCTCGGGGCTCTTATTCCTATGTTGCTGCAGGATCATCTGGAAATGA-3'
Protein context (NP_001009999.1, residues 766-786): QPKETVVSRW[Arg776His]ADPWARGSYS

ClinVar aggregate classification (germline): Uncertain significance. Review status: criteria provided, multiple submitters, no conflicts (2 of 4 stars). 2 submissions from 2 submitters: Uncertain significance (2). Last evaluated 2025-04-21.

Conditions:
Inborn genetic diseases. Identifiers: MedGen C0950123, MeSH D030342.

gnomAD v4.1: 3 of 1,613,670 alleles (0.00019%); highest among the groups gnomAD compares: South Asian, 0.0011%; no homozygotes.

Submissions (2):

Ambry Genetics
Classification: Uncertain significance for Inborn genetic diseases. Last evaluated: 2025-04-21. Review status: criteria provided, single submitter. Criteria: Ambry Variant Classification Scheme 2023. Collection method: clinical testing. Allele origin: germline.
Comment: The p.R776H variant (also known as c.2327G>A), located in coding exon 20 of the KDM1A gene, results from a G to A substitution at nucleotide position 2327. The arginine at codon 776 is replaced by histidine, an amino acid with highly similar properties. This amino acid position is conserved. In addition, this alteration is predicted to be tolerated by in silico analysis. Based on the available evidence, the clinical significance of this variant remains unclear.

Blueprint Genetics
Classification: Uncertain significance. Last evaluated: 2024-07-17. Review status: criteria provided, single submitter. Criteria: ACMG Guidelines, 2015. Collection method: clinical testing. Allele origin: germline.